The following is an entry in ClinVar:

NM_005629.4(SLC6A8):c.152C>T (p.Pro51Leu)

Gene: SLC6A8 (solute carrier family 6 member 8; plus strand). Cytogenetic location: Xq28.
Variant type: single nucleotide variant.
Coding change: c.152C>T on transcript NM_005629.4 (MANE Select); coding-DNA position 152, C replaced by T.
Protein change: p.Pro51Leu; replaces proline 51 with leucine.
Molecular consequence: missense variant.
Genome position (GRCh38, 1-based): chrX:153,688,726, C>T. VCF-style: chrX-153688726-C-T. GRCh37 (hg19) VCF-style: chrX-152954181-C-T.
Other names: c.152C>T, p.Pro51Leu (NM_001142805.2); short protein forms P51L.
Identifiers: ClinVar variation 838298 (VCV000838298.8), dbSNP rs2091437446, ClinGen allele CA415076530.

ClinVar aggregate classification (germline): Uncertain significance (1 of 4 stars; one submission).

Conditions:
Creatine transporter deficiency (CCDS1). Also called: Creatine Transporter (CRTR) Deficiency; Mental retardation , X-linked with seizures, short stature and midface hypoplasia; Mental retardation , X-linked, with creatine transport deficiency; X-linked creatine transporter deficiency; X-linked creatine deficiency syndrome; SLC6A8-Related Creatine Transporter Deficiency. Identifiers: Orphanet 52503, MedGen C1845862, MONDO:0010305, OMIM 300352.

Allele frequency attached by ClinVar (database versions not stated): gnomAD exomes below 0.00001.

Submission:

Labcorp Genetics (formerly Invitae), Labcorp
Classification: Uncertain significance for Creatine transporter deficiency. Last evaluated: 2022-06-04. Review status: criteria provided, single submitter. Criteria: Invitae Variant Classification Sherloc (09022015). Collection method: clinical testing. Allele origin: germline.
Comment: In summary, the available evidence is currently insufficient to determine the role of this variant in disease. Therefore, it has been classified as a Variant of Uncertain Significance. Advanced modeling of protein sequence and biophysical properties (such as structural, functional, and spatial information, amino acid conservation, physicochemical variation, residue mobility, and thermodynamic stability) performed at Invitae indicates that this missense variant is not expected to disrupt SLC6A8 protein function. ClinVar contains an entry for this variant (Variation ID: 838298). This variant has not been reported in the literature in individuals affected with SLC6A8-related conditions. This variant is not present in population databases (gnomAD no frequency). This sequence change replaces proline, which is neutral and non-polar, with leucine, which is neutral and non-polar, at codon 51 of the SLC6A8 protein (p.Pro51Leu).